The following is an entry in ClinVar:

ClinVar aggregate classification (germline): Uncertain significance (1 of 4 stars; one submission).

Conditions:
Muscle AMP deaminase deficiency (MMDD). Also called: Myoadenylate deaminase deficiency, myopathy due to; Adenosine monophosphate deaminase 1 deficiency; AMP deaminase 1 deficiency; Adenosine Monophosphate Deaminase 1; AMPD1 DEFICIENCY; ADENOSINE MONOPHOSPHATE DEAMINASE-1 DEFICIENCY, MYOPATHY DUE TO. Identifiers: Orphanet 45, MedGen C3714933, MONDO:0014220, OMIM 615511.

Allele frequency attached by ClinVar (database versions not stated): ExAC 0.00001.

Submission:

Labcorp Genetics (formerly Invitae), Labcorp
Classification: Uncertain significance for Muscle AMP deaminase deficiency. Last evaluated: 2026-01-12. Review status: criteria provided, single submitter. Criteria: Invitae Variant Classification Sherloc (09022015). Collection method: clinical testing. Allele origin: germline.
Comment: This sequence change replaces alanine, which is neutral and non-polar, with glutamic acid, which is acidic and polar, at codon 417 of the AMPD1 protein (p.Ala417Glu). This variant is present in population databases (rs781073590, gnomAD 0.0009%). This variant has not been reported in the literature in individuals affected with AMPD1-related conditions. ClinVar contains an entry for this variant (Variation ID: 2094930). Invitae Evidence Modeling of protein sequence and biophysical properties (such as structural, functional, and spatial information, amino acid conservation, physicochemical variation, residue mobility, and thermodynamic stability) indicates that this missense variant is not expected to disrupt AMPD1 protein function with a negative predictive value of 80%. In summary, the available evidence is currently insufficient to determine the role of this variant in disease. Therefore, it has been classified as a Variant of Uncertain Significance.

NM_000036.3(AMPD1):c.1151C>A (p.Ala384Glu)

Gene: AMPD1 (adenosine monophosphate deaminase 1; minus strand). Cytogenetic location: 1p13.2.
Variant type: single nucleotide variant.
Coding change: c.1151C>A on transcript NM_000036.3 (MANE Select); coding-DNA position 1151, C replaced by A.
Protein change: p.Ala384Glu; replaces alanine 384 with glutamic acid.
Molecular consequence: missense variant.
Genome position (GRCh38, 1-based): chr1:114,677,983, G>T on the plus strand (C>A on the coding strand, the complement: AMPD1 is on the minus strand). VCF-style: chr1-114677983-G-T. GRCh37 (hg19) VCF-style: chr1-115220604-G-T.
Other names: c.1139C>A, p.Ala380Glu (NM_001172626.2); short protein forms A380E, A384E.
Identifiers: ClinVar variation 2094930 (VCV002094930.4), dbSNP rs781073590, ClinGen allele CA1020204.